The following is an entry in ClinVar:

ClinVar aggregate classification (germline): Uncertain significance. Review status: criteria provided, multiple submitters, no conflicts (2 of 4 stars). 2 submissions from 2 submitters: Uncertain significance (2). Last evaluated 2024-06-10.

Conditions:
Inborn genetic diseases. Identifiers: MedGen C0950123, MeSH D030342.
Fanconi anemia (FA). Also called: Fanconi's anemia. Identifiers: Orphanet 84, MedGen C0015625, MeSH D005199, MONDO:0019391.

Allele frequency attached by ClinVar (database versions not stated): gnomAD exomes below 0.00001; TOPMed below 0.00001.
gnomAD v4.1: 2 of 1,614,198 alleles (0.00012%); highest among the groups gnomAD compares: Middle Eastern, 0.016%; no homozygotes.

Submissions (2):

Ambry Genetics
Classification: Uncertain significance for Inborn genetic diseases. Last evaluated: 2024-06-10. Review status: criteria provided, single submitter. Criteria: Ambry Variant Classification Scheme 2023. Collection method: clinical testing. Allele origin: germline.

Labcorp Genetics (formerly Invitae), Labcorp
Classification: Uncertain significance for Fanconi anemia. Last evaluated: 2021-11-29. Review status: criteria provided, single submitter. Criteria: Invitae Variant Classification Sherloc (09022015). Collection method: clinical testing. Allele origin: germline.
Comment: In summary, the available evidence is currently insufficient to determine the role of this variant in disease. Therefore, it has been classified as a Variant of Uncertain Significance. Algorithms developed to predict the effect of missense changes on protein structure and function (SIFT, PolyPhen-2, Align-GVGD) all suggest that this variant is likely to be tolerated. This variant has not been reported in the literature in individuals affected with SLX4-related conditions. This variant is not present in population databases (gnomAD no frequency). This sequence change replaces leucine, which is neutral and non-polar, with phenylalanine, which is neutral and non-polar, at codon 1488 of the SLX4 protein (p.Leu1488Phe).

NM_032444.4(SLX4):c.4464G>C (p.Leu1488Phe)

Gene: SLX4 (SLX4 structure-specific endonuclease subunit; minus strand). Cytogenetic location: 16p13.3.
Variant type: single nucleotide variant.
Coding change: c.4464G>C on transcript NM_032444.4 (MANE Select); coding-DNA position 4464, G replaced by C.
Protein change: p.Leu1488Phe; replaces leucine 1488 with phenylalanine.
Molecular consequence: missense variant.
Genome position (GRCh38, 1-based): chr16:3,589,174, C>G on the plus strand (G>C on the coding strand, the complement: SLX4 is on the minus strand). VCF-style: chr16-3589174-C-G. GRCh37 (hg19) VCF-style: chr16-3639175-C-G.
Other names: c.4464G>C (NM_032444.2); short protein forms L1488F.
Identifiers: ClinVar variation 1416716 (VCV001416716.7), dbSNP rs2040543369, ClinGen allele CA394517088.